The following is an entry in ClinVar:

NM_001122630.2(CDKN1C):c.796G>T (p.Ala266Ser)

Gene: CDKN1C (cyclin dependent kinase inhibitor 1C; minus strand). Cytogenetic location: 11p15.4.
Variant type: single nucleotide variant.
Coding change: c.796G>T on transcript NM_001122630.2 (MANE Select); coding-DNA position 796, G replaced by T.
Protein change: p.Ala266Ser; replaces alanine 266 with serine.
Molecular consequence: missense variant. On other transcripts: synonymous variant (1).
Genome position (GRCh38, 1-based): chr11:2,884,126, C>A on the plus strand (G>T on the coding strand, the complement: CDKN1C is on the minus strand). VCF-style: chr11-2884126-C-A. GRCh37 (hg19) VCF-style: chr11-2905356-C-A.
Other names: c.829G>T, p.Ala277Ser (NM_000076.2, NM_001362474.2); c.796G>T, p.Ala266Ser (NM_001122631.2); c.264G>T, p.Ser88= (NM_001362475.2); short protein forms A266S, A277S.
Identifiers: ClinVar variation 858662 (VCV000858662.9), dbSNP rs759474789, ClinGen allele CA379145132.

ClinVar aggregate classification (germline): Uncertain significance (1 of 4 stars; one submission).

Conditions:
Beckwith-Wiedemann syndrome (BWS). Also called: EMG SYNDROME; Exomphalos macroglossia gigantism syndrome. Identifiers: Orphanet 116, MedGen C0004903, MONDO:0007534, OMIM 130650.

Submission:

Labcorp Genetics (formerly Invitae), Labcorp
Classification: Uncertain significance for Beckwith-Wiedemann syndrome. Last evaluated: 2025-08-07. Review status: criteria provided, single submitter. Criteria: Invitae Variant Classification Sherloc (09022015). Collection method: clinical testing. Allele origin: germline.
Comment: This sequence change replaces alanine, which is neutral and non-polar, with serine, which is neutral and polar, at codon 277 of the CDKN1C protein (p.Ala277Ser). This variant is not present in population databases (gnomAD no frequency). This variant has not been reported in the literature in individuals affected with CDKN1C-related conditions. ClinVar contains an entry for this variant (Variation ID: 858662). Invitae Evidence Modeling of protein sequence and biophysical properties (such as structural, functional, and spatial information, amino acid conservation, physicochemical variation, residue mobility, and thermodynamic stability) has been performed for this missense variant. However, the output from this modeling did not meet the statistical confidence thresholds required to predict the impact of this variant on CDKN1C protein function. In summary, the available evidence is currently insufficient to determine the role of this variant in disease. Therefore, it has been classified as a Variant of Uncertain Significance.